The following is an entry in ClinVar:

ClinVar aggregate classification (germline): Conflicting classifications of pathogenicity. Review status: criteria provided, conflicting classifications (1 of 4 stars). 2 submissions from 2 submitters: Uncertain significance (1); Likely benign (1). Last evaluated 2023-05-03.

Conditions:
Inborn genetic diseases. Identifiers: MedGen C0950123, MeSH D030342.
Cornelia de Lange syndrome 1 (CDLS1). Also called: NIPBL-Related Cornelia de Lange Syndrome; TYPUS DEGENERATIVUS AMSTELODAMENSIS; Brachmann de Lange syndrome. Identifiers: Orphanet 199, MedGen C4551851, MONDO:0007387, OMIM 122470.

Allele frequency attached by ClinVar (database versions not stated): TOPMed below 0.00001; ExAC 0.00002; ESP Exome Variant Server 0.00008.

Submissions (2):

Ambry Genetics
Classification: Likely benign for Inborn genetic diseases. Last evaluated: 2023-05-03. Review status: criteria provided, single submitter. Criteria: Ambry Variant Classification Scheme 2023. Collection method: clinical testing. Allele origin: germline.

Labcorp Genetics (formerly Invitae), Labcorp
Classification: Uncertain significance for Cornelia de Lange syndrome 1. Last evaluated: 2022-07-26. Review status: criteria provided, single submitter. Criteria: Invitae Variant Classification Sherloc (09022015). Collection method: clinical testing. Allele origin: germline.
Comment: This sequence change replaces glycine, which is neutral and non-polar, with valine, which is neutral and non-polar, at codon 379 of the NIPBL protein (p.Gly379Val). In summary, the available evidence is currently insufficient to determine the role of this variant in disease. Therefore, it has been classified as a Variant of Uncertain Significance. Algorithms developed to predict the effect of missense changes on protein structure and function are either unavailable or do not agree on the potential impact of this missense change (SIFT: "Deleterious"; PolyPhen-2: "Benign"; Align-GVGD: "Class C0"). This variant has not been reported in the literature in individuals affected with NIPBL-related conditions. This variant is present in population databases (rs368272080, gnomAD 0.007%).

NM_133433.4(NIPBL):c.1136G>T (p.Gly379Val)

Gene: NIPBL (NIPBL cohesin loading factor; plus strand). Cytogenetic location: 5p13.2.
Variant type: single nucleotide variant.
Coding change: c.1136G>T on transcript NM_133433.4 (MANE Select); coding-DNA position 1136, G replaced by T.
Protein change: p.Gly379Val; replaces glycine 379 with valine.
Molecular consequence: missense variant.
Genome position (GRCh38, 1-based): chr5:36,976,043, G>T. VCF-style: chr5-36976043-G-T. GRCh37 (hg19) VCF-style: chr5-36976145-G-T.
Other names: c.1136G>T, p.Gly379Val (NM_015384.5); c.1136G>T (NM_133433.3); short protein forms G379V.
Identifiers: ClinVar variation 2068572 (VCV002068572.6), dbSNP rs368272080, ClinGen allele CA3235985.